The following is an entry in ClinVar:

NM_006904.7(PRKDC):c.5009A>C (p.Glu1670Ala)

Gene: PRKDC (protein kinase, DNA-activated, catalytic subunit; minus strand). Cytogenetic location: 8q11.21.
Variant type: single nucleotide variant.
Coding change: c.5009A>C on transcript NM_006904.7 (MANE Select); coding-DNA position 5009, A replaced by C.
Protein change: p.Glu1670Ala; replaces glutamic acid 1670 with alanine.
Molecular consequence: missense variant.
Genome position (GRCh38, 1-based): chr8:47,881,474, T>G on the plus strand (A>C on the coding strand, the complement: PRKDC is on the minus strand). VCF-style: chr8-47881474-T-G. GRCh37 (hg19) VCF-style: chr8-48794035-T-G.
Other names: c.5009A>C, p.Glu1670Ala (NM_001081640.2); short protein forms E1670A.
Identifiers: ClinVar variation 1744745 (VCV001744745.2), dbSNP rs2551872552, ClinGen allele CA371139951.

ClinVar aggregate classification (germline): Uncertain significance (1 of 4 stars; one submission).

Submission:

Ambry Genetics
Classification: Uncertain significance. Last evaluated: 2021-12-01. Review status: criteria provided, single submitter. Criteria: Ambry Variant Classification Scheme 2023. Collection method: clinical testing. Allele origin: germline.
Comment: The p.E1670A variant (also known as c.5009A>C), located in coding exon 38 of the PRKDC gene, results from an A to C substitution at nucleotide position 5009. The glutamic acid at codon 1670 is replaced by alanine, an amino acid with dissimilar properties. This amino acid position is conserved. In addition, this alteration is predicted to be tolerated by in silico analysis. Since supporting evidence is limited at this time, the clinical significance of this alteration remains unclear.